The following is an entry in ClinVar:

NM_000282.4(PCCA):c.2028G>T (p.Lys676Asn)

Gene: PCCA (propionyl-CoA carboxylase subunit alpha; plus strand). Cytogenetic location: 13q32.3.
Variant type: single nucleotide variant.
Coding change: c.2028G>T on transcript NM_000282.4 (MANE Select); coding-DNA position 2028, G replaced by T.
Protein change: p.Lys676Asn; replaces lysine 676 with asparagine.
Molecular consequence: missense variant. On other transcripts: non-coding transcript variant (4), intron variant (2).
Genome position (GRCh38, 1-based): chr13:100,515,555, G>T. VCF-style: chr13-100515555-G-T. GRCh37 (hg19) VCF-style: chr13-101167809-G-T.
Other names: c.1950G>T, p.Lys650Asn (NM_001127692.3); c.1974G>T, p.Lys658Asn (NM_001352605.2); c.1884G>T, p.Lys628Asn (NM_001352606.2); c.1806G>T, p.Lys602Asn (NM_001352608.2); c.1083G>T, p.Lys361Asn (NM_001352610.2); c.1029G>T, p.Lys343Asn (NM_001352611.2); c.939G>T, p.Lys313Asn (NM_001352612.2); c.1900-12120G>T (NM_001178004.2); and 1 more; short protein forms K313N, K361N, K602N, K628N, K676N, K650N, K658N, K343N.
Identifiers: ClinVar variation 1957055 (VCV001957055.5), dbSNP rs2549049473, ClinGen allele CA388640418.

ClinVar aggregate classification (germline): Uncertain significance (1 of 4 stars; one submission).

Conditions:
Propionic acidemia (PROP). Also called: GLYCINEMIA, KETOTIC; HYPERGLYCINEMIA WITH KETOACIDOSIS AND LEUKOPENIA; KETOTIC HYPERGLYCINEMIA. Identifiers: Orphanet 35, MedGen C0268579, MONDO:0011628, OMIM 606054, HP:0003571.

Submission:

Labcorp Genetics (formerly Invitae), Labcorp
Classification: Uncertain significance for Propionic acidemia. Last evaluated: 2022-04-15. Review status: criteria provided, single submitter. Criteria: Invitae Variant Classification Sherloc (09022015). Collection method: clinical testing. Allele origin: germline.
Comment: Advanced modeling of protein sequence and biophysical properties (such as structural, functional, and spatial information, amino acid conservation, physicochemical variation, residue mobility, and thermodynamic stability) performed at Invitae indicates that this missense variant is not expected to disrupt PCCA protein function. In summary, the available evidence is currently insufficient to determine the role of this variant in disease. Therefore, it has been classified as a Variant of Uncertain Significance. This variant has not been reported in the literature in individuals affected with PCCA-related conditions. This variant is not present in population databases (gnomAD no frequency). This sequence change replaces lysine, which is basic and polar, with asparagine, which is neutral and polar, at codon 676 of the PCCA protein (p.Lys676Asn).